The following is an entry in ClinVar:

ClinVar aggregate classification (germline): Uncertain significance (1 of 4 stars; one submission).

gnomAD v4.1: 22 of 1,532,848 alleles (0.0014%); highest among the groups gnomAD compares: Non-Finnish European, 0.0019%; no homozygotes.

Submission:

Labcorp Genetics (formerly Invitae), Labcorp
Classification: Uncertain significance. Last evaluated: 2023-10-12. Review status: criteria provided, single submitter. Criteria: Invitae Variant Classification Sherloc (09022015). Collection method: clinical testing. Allele origin: germline.
Comment: This sequence change replaces tryptophan, which is neutral and slightly polar, with glycine, which is neutral and non-polar, at codon 1113 of the COL18A1 protein (p.Trp1113Gly). This variant is not present in population databases (gnomAD no frequency). This variant has not been reported in the literature in individuals affected with COL18A1-related conditions. Experimental studies and prediction algorithms are not available or were not evaluated, and the functional significance of this variant is currently unknown. In summary, the available evidence is currently insufficient to determine the role of this variant in disease. Therefore, it has been classified as a Variant of Uncertain Significance.

NM_001379500.1(COL18A1):c.3346T>G (p.Trp1116Gly)

Genes: COL18A1 (collagen type XVIII alpha 1 chain; plus strand), SLC19A1 (solute carrier family 19 member 1; minus strand). Cytogenetic location: 21q22.3.
Variant type: single nucleotide variant.
Coding change: c.3346T>G on transcript NM_001379500.1 (MANE Select); coding-DNA position 3346, T replaced by G.
Protein change: p.Trp1116Gly; replaces tryptophan 1116 with glycine.
Molecular consequence: missense variant.
Genome position (GRCh38, 1-based): chr21:45,509,452, T>G. VCF-style: chr21-45509452-T-G. GRCh37 (hg19) VCF-style: chr21-46929366-T-G.
Other names: c.3877T>G, p.Trp1293Gly (NM_030582.4); c.4582T>G, p.Trp1528Gly (NM_130444.3); short protein forms W1116G, W1528G, W1293G.
Identifiers: ClinVar variation 3010373 (VCV003010373.3), dbSNP rs2146120244, ClinGen allele CA410500792.